The following is an entry in ClinVar:

NM_000465.4(BARD1):c.1395G>A (p.Leu465=)

Gene: BARD1 (BRCA1 associated RING domain 1; minus strand). Cytogenetic location: 2q35.
Variant type: single nucleotide variant.
Coding change: c.1395G>A on transcript NM_000465.4 (MANE Select); coding-DNA position 1395, G replaced by A.
Protein change: p.Leu465=; no amino-acid change (leucine 465 retained).
Molecular consequence: synonymous variant. On other transcripts: non-coding transcript variant (3), intron variant (3).
Genome position (GRCh38, 1-based): chr2:214,769,232, C>T on the plus strand (G>A on the coding strand, the complement: BARD1 is on the minus strand). VCF-style: chr2-214769232-C-T. GRCh37 (hg19) VCF-style: chr2-215633956-C-T.
Other names: c.159-16677G>A (NM_001282548.2); c.216-16677G>A (NM_001282545.2); c.364+23065G>A (NM_001282549.2); c.1338G>A, p.Leu446= (NM_001282543.2); c.1395G>A (NM_000465.2).
Identifiers: ClinVar variation 489654 (VCV000489654.16), dbSNP rs755655218, ClinGen allele CA431130310.
Genomic context (GRCh38, chr2:214,769,232, plus strand): 5'-ACTATAAACTATAAGAACTGTAAAACACAGAAAGAATGAGAATAAAAACCAGACAACTAC[C>T]AATGGTGTCCATCCAGCATGGTCTTTAACATTTGGATCACTTCCATTTTGTAAAAGGTAT-3'
Protein context (NP_000456.2, residues 455-475): NVKDHAGWTP[Leu465=]HEACNHGHLK

ClinVar aggregate classification (germline): Uncertain significance. Review status: criteria provided, multiple submitters, no conflicts (2 of 4 stars). 4 submissions from 4 submitters: Uncertain significance (4). Last evaluated 2025-03-02.

Conditions:
Hereditary cancer-predisposing syndrome. Also called: Hereditary Cancer Syndrome; Neoplastic Syndromes, Hereditary; Tumor predisposition; Hereditary neoplastic syndrome. Identifiers: Orphanet 140162, MedGen C0027672, MeSH D009386, MONDO:0015356.
Familial cancer of breast. Also called: Hereditary breast cancer; BREAST CANCER, FAMILIAL; hereditary breast carcinoma. Identifiers: Orphanet 227535, MedGen C0346153, MONDO:0016419, OMIM 114480. Disease mechanism: loss of function.

Allele frequency attached by ClinVar (database versions not stated): gnomAD exomes below 0.00001.
gnomAD v4.1: 2 of 1,609,466 alleles (0.00012%); highest among the groups gnomAD compares: South Asian, 0.0022%; no homozygotes.

Submissions (4):

Ambry Genetics
Classification: Uncertain significance for Hereditary cancer-predisposing syndrome. Last evaluated: 2025-03-02. Review status: criteria provided, single submitter. Criteria: Ambry Variant Classification Scheme 2023. Collection method: clinical testing. Allele origin: germline.
Comment: The c.1395G>A variant (also known as p.L465L), located in coding exon 5 of the BARD1 gene, results from a G to A substitution at nucleotide position 1395. This nucleotide substitution does not change the at codon 465. However, this change occurs in the last base pair of coding exon 5, which makes it likely to have some effect on normal mRNA splicing. This nucleotide position is highly conserved in available vertebrate species. In silico splice site analysis predicts that this alteration will weaken the native splice donor site. RNA studies have demonstrated that this alteration results in an incomplete splice defect; the clinical impact of this abnormal splicing is unknown at this time (Ambry internal data). Based on the available evidence, the clinical significance of this variant remains unclear.

Labcorp Genetics (formerly Invitae), Labcorp
Classification: Uncertain significance for Familial cancer of breast. Last evaluated: 2025-02-15. Review status: criteria provided, single submitter. Criteria: Invitae Variant Classification Sherloc (09022015). Collection method: clinical testing. Allele origin: germline.
Comment: This sequence change affects codon 465 of the BARD1 mRNA. It is a 'silent' change, meaning that it does not change the encoded amino acid sequence of the BARD1 protein. This variant also falls at the last nucleotide of exon 5, which is part of the consensus splice site for this exon. This variant is present in population databases (no rsID available, gnomAD 0.003%). This variant has not been reported in the literature in individuals affected with BARD1-related conditions. ClinVar contains an entry for this variant (Variation ID: 489654). Variants that disrupt the consensus splice site are a relatively common cause of aberrant splicing (PMID: 17576681, 9536098). Studies have shown that this variant is associated with altered splicing resulting in multiple RNA products (internal data). In summary, the available evidence is currently insufficient to determine the role of this variant in disease. Therefore, it has been classified as a Variant of Uncertain Significance.

Color Diagnostics, LLC DBA Color Health
Classification: Uncertain significance for Hereditary cancer-predisposing syndrome. Last evaluated: 2023-10-31. Review status: criteria provided, single submitter. Criteria: ACMG Guidelines, 2015. Collection method: clinical testing. Allele origin: germline.
Comment: This synonymous variant does not change the encoded amino acid at codon 465 of the BARD1 protein, but it causes a G to A substitution at the last nucleotide of exon 5 of the BARD1 gene. Splice site prediction tools suggest that this variant may impact RNA splicing, although this prediction has not been confirmed in published RNA studies. To our knowledge, this variant has not been reported in individuals affected with hereditary cancer in the literature. This variant has been identified in 1/251248 chromosomes in the general population by the Genome Aggregation Database (gnomAD). The available evidence is insufficient to determine the role of this variant in disease conclusively. Therefore, this variant is classified as a Variant of Uncertain Significance.

Baylor Genetics
Classification: Uncertain significance for Familial cancer of breast. Last evaluated: 2023-01-09. Review status: criteria provided, single submitter. Criteria: ACMG Guidelines, 2015. Collection method: clinical testing. Allele origin: unknown.

Literature cited by the submitters: PubMed 17576681 (cited by Labcorp Genetics (formerly Invitae), Labcorp); PubMed 9536098 (cited by Labcorp Genetics (formerly Invitae), Labcorp).